The following is an entry in ClinVar:

NM_005751.5(AKAP9):c.9379C>T (p.Gln3127Ter)

Gene: AKAP9 (A-kinase anchoring protein 9; plus strand). Cytogenetic location: 7q21.2.
Variant type: single nucleotide variant.
Coding change: c.9379C>T on transcript NM_005751.5 (MANE Select); coding-DNA position 9379, C replaced by T.
Protein change: p.Gln3127Ter; replaces glutamine 3127 with a stop codon.
Molecular consequence: nonsense.
Genome position (GRCh38, 1-based): chr7:92,093,117, C>T. VCF-style: chr7-92093117-C-T. GRCh37 (hg19) VCF-style: chr7-91722431-C-T.
Other names: c.4024C>T, p.Gln1342Ter (NM_001379277.1); c.9355C>T, p.Gln3119Ter (NM_147185.3); short protein forms Q3127*, Q3119*, Q1342*.
Identifiers: ClinVar variation 1346814 (VCV001346814.6), dbSNP rs2130891706, ClinGen allele CA368146517.

ClinVar aggregate classification (germline): Uncertain significance (1 of 4 stars; one submission).

Conditions:
Long QT syndrome (LQTS). Identifiers: MedGen C0023976, MeSH D008133, MONDO:0002442. Disease mechanism: loss of function. Inheritance: Various modes of inheritance.

Allele frequency attached by ClinVar (database versions not stated): gnomAD exomes below 0.00001.
gnomAD v4.1: 1 of 1,611,304 alleles (0.000062%); highest among the groups gnomAD compares: Non-Finnish European, 0.000085%; no homozygotes.

Submission:

Labcorp Genetics (formerly Invitae), Labcorp
Classification: Uncertain significance for Long QT syndrome. Last evaluated: 2021-04-19. Review status: criteria provided, single submitter. Criteria: Invitae Variant Classification Sherloc (09022015). Collection method: clinical testing. Allele origin: germline.
Comment: This sequence change creates a premature translational stop signal (p.Gln3127*) in the AKAP9 gene. It is expected to result in an absent or disrupted protein product. However, the current clinical and genetic evidence is not sufficient to establish whether loss-of-function variants in AKAP9 cause disease. In summary, the available evidence is currently insufficient to determine the role of this variant in disease. Therefore, it has been classified as a Variant of Uncertain Significance. This variant has not been reported in the literature in individuals with AKAP9-related conditions. This variant is not present in population databases (ExAC no frequency).